The following is an entry in ClinVar:

ClinVar aggregate classification (germline): Uncertain significance. Review status: criteria provided, multiple submitters, no conflicts (2 of 4 stars). 2 submissions from 2 submitters: Uncertain significance (2). Last evaluated 2025-03-18.

Conditions:
Inborn genetic diseases. Identifiers: MedGen C0950123, MeSH D030342.

Allele frequency attached by ClinVar (database versions not stated): gnomAD exomes below 0.00001; gnomAD 0.00001; TOPMed 0.00001.
gnomAD v4.1: 3 of 1,613,288 alleles (0.00019%); highest among the groups gnomAD compares: African/African-American, 0.0013%; no homozygotes.

Submissions (2):

Ambry Genetics
Classification: Uncertain significance for Inborn genetic diseases. Last evaluated: 2025-03-18. Review status: criteria provided, single submitter. Criteria: Ambry Variant Classification Scheme 2023. Collection method: clinical testing. Allele origin: germline.

GeneDx
Classification: Uncertain significance. Last evaluated: 2022-01-05. Review status: criteria provided, single submitter. Criteria: GeneDx Variant Classification Process June 2021. Collection method: clinical testing. Allele origin: germline. Affected: yes.
Comment: Not observed at significant frequency in large population cohorts (gnomAD); In silico analysis supports that this missense variant has a deleterious effect on protein structure/function; Has not been previously published as pathogenic or benign to our knowledge

NM_001146079.2(CLDN14):c.156G>A (p.Met52Ile)

Genes: CLDN14 (claudin 14; minus strand), CLDN14-AS1 (CLDN14 antisense RNA 1; plus strand). Cytogenetic location: 21q22.13.
Variant type: single nucleotide variant.
Coding change: c.156G>A on transcript NM_001146079.2 (MANE Select); coding-DNA position 156, G replaced by A.
Protein change: p.Met52Ile; replaces methionine 52 with isoleucine.
Molecular consequence: missense variant.
Genome position (GRCh38, 1-based): chr21:36,461,540, C>T on the plus strand (G>A on the coding strand, the complement: CLDN14 is on the minus strand). VCF-style: chr21-36461540-C-T. GRCh37 (hg19) VCF-style: chr21-37833838-C-T.
Other names: c.156G>A, p.Met52Ile (NM_001146077.2, NM_001146078.3, NM_012130.4 and 1 more transcripts); short protein forms M52I.
Identifiers: ClinVar variation 1695726 (VCV001695726.3), dbSNP rs1481757019, ClinGen allele CA409883789.
Genomic context (GRCh38, chr21:36,461,540, plus strand): 5'-CGCCAGCAGGGATCGGTAGATCTGGCACTGGTAGATGCCTGTGCTGTGCCACACACACTC[C>T]ATCCAGAGCCCTTTCAGGTAGGACACGGCCGTGAGGATGTTGGTGCCCACGTGCGCTGTC-3'
Protein context (NP_001139551.1, residues 42-62): TAVSYLKGLW[Met52Ile]ECVWHSTGIY